The following is an entry in ClinVar:

NM_020778.5(ALPK3):c.3286del (p.Ser1096fs)

Gene: ALPK3 (alpha kinase 3; plus strand). Cytogenetic location: 15q25.3.
Variant type: Deletion.
Coding change: c.3286del on transcript NM_020778.5 (MANE Select); coding-DNA position 3286, one base deleted (T; older notation c.3286delT).
Protein change: p.Ser1096fs; shifts the reading frame from serine 1096.
Molecular consequence: frameshift variant.
Genome position (GRCh38, 1-based): chr15:84,858,024, T deleted; the last of 3 consecutive T bases (chr15:84,858,022-84,858,024); deleting any one gives the same sequence. VCF-style (leftmost placement, unchanged base first): chr15-84858021-GT-G. GRCh37 (hg19) VCF-style: chr15-85401252-GT-G.
Other names: short protein forms S1096fs.
Identifiers: ClinVar variation 2768219 (VCV002768219.3), dbSNP rs755244582, ClinGen allele CA7709593.

ClinVar aggregate classification (germline): Pathogenic (1 of 4 stars; one submission).

Submission:

Labcorp Genetics (formerly Invitae), Labcorp
Classification: Pathogenic. Last evaluated: 2023-10-14. Review status: criteria provided, single submitter. Criteria: Invitae Variant Classification Sherloc (09022015). Collection method: clinical testing. Allele origin: germline.
Comment: This sequence change creates a premature translational stop signal (p.Ser1298Profs*38) in the ALPK3 gene. It is expected to result in an absent or disrupted protein product. Loss-of-function variants in ALPK3 are known to be pathogenic (PMID: 21441111, 26846950, 27106955, 34263907). The frequency data for this variant in the population databases is considered unreliable, as metrics indicate poor data quality at this position in the gnomAD database. This variant has not been reported in the literature in individuals affected with ALPK3-related conditions. For these reasons, this variant has been classified as Pathogenic.

Literature cited by the submitters: PubMed 21441111; PubMed 26846950; PubMed 27106955; PubMed 34263907.